The following is an entry in ClinVar:

ClinVar aggregate classification (germline): Uncertain significance (1 of 4 stars; one submission).

Submission:

Labcorp Genetics (formerly Invitae), Labcorp
Classification: Uncertain significance. Last evaluated: 2022-08-07. Review status: criteria provided, single submitter. Criteria: Invitae Variant Classification Sherloc (09022015). Collection method: clinical testing. Allele origin: germline.
Comment: A copy number gain of the genomic region encompassing the full coding sequence of the SLC46A1 gene has been identified. The boundaries of this event are unknown as they extend beyond the assayed region for this gene and therefore may encompass additional genes. As the precise location of this event is unknown, it may be in tandem or it may be located elsewhere in the genome. This variant has not been reported in the literature in individuals affected with SLC46A1-related conditions. In summary, the available evidence is currently insufficient to determine the role of this variant in disease. Therefore, it has been classified as a Variant of Uncertain Significance.

NC_000017.10:g.(?_26684694)_(29701173_?)dup

Genes: ABHD15 (abhydrolase domain containing 15; minus strand), ADAP2 (ArfGAP with dual PH domains 2; plus strand), ALDOC (aldolase, fructose-bisphosphate C; minus strand), ANKRD13B (ankyrin repeat domain 13B; plus strand), ATAD5 (ATPase family AAA domain containing 5; plus strand) and 51 more. Cytogenetic location: 17q11.2.
Variant type: Duplication.
Identifiers: ClinVar variation 2427184 (VCV002427184.4).